The following is an entry in ClinVar:

NM_001110556.2(FLNA):c.3861G>T (p.Gln1287His)

Gene: FLNA (filamin A; minus strand). Cytogenetic location: Xq28.
Variant type: single nucleotide variant.
Coding change: c.3861G>T on transcript NM_001110556.2 (MANE Select); coding-DNA position 3861, G replaced by T.
Protein change: p.Gln1287His; replaces glutamine 1287 with histidine.
Molecular consequence: missense variant.
Genome position (GRCh38, 1-based): chrX:154,359,850, C>A on the plus strand (G>T on the coding strand, the complement: FLNA is on the minus strand). VCF-style: chrX-154359850-C-A. GRCh37 (hg19) VCF-style: chrX-153588218-C-A.
Other names: c.3861G>T, p.Gln1287His (NM_001456.4); short protein forms Q1287H.
Identifiers: ClinVar variation 533569 (VCV000533569.10), dbSNP rs1557177627, ClinGen allele CA415222211.
Genomic context (GRCh38, chrX:154,359,850, plus strand): 5'-GGTCTCCGTCAGGTTGCCTGAGGGGTTGGCCACACGGGCCTTGACGTGCGGCCCTCCGGT[C>A]TGTGTCAGAGCCCGGGCGTCCACACTGAACTCAGTGGTGGCCTCACGGAAGACACCTGCA-3'
Protein context (NP_001104026.1, residues 1277-1297): EFSVDARALT[Gln1287His]TGGPHVKARV

ClinVar aggregate classification (germline): Uncertain significance (1 of 4 stars; one submission).

Conditions:
Melnick-Needles syndrome (MNS). Also called: MELNICK-NEEDLES OSTEODYSPLASTY; Melnick-Needles Syndrome (FLNA-MNS); OSTEODYSPLASTY OF MELNICK AND NEEDLES. Identifiers: Orphanet 2484, MedGen C0025237, MONDO:0010650, OMIM 309350.
Frontometaphyseal dysplasia (FMD1). Identifiers: Orphanet 1826, MedGen C0265293, MONDO:0015942.
Heterotopia, periventricular, X-linked dominant (PVNH1). Also called: PERIVENTRICULAR NODULAR HETEROTOPIA 4; HETEROTOPIA, PERIVENTRICULAR, 1; PERIVENTRICULAR NODULAR HETEROTOPIA 1; X-linked periventricular heterotopia. Identifiers: Orphanet 2149, Orphanet 82004, MedGen C1848213, MONDO:0010233, OMIM 300049.
Oto-palato-digital syndrome, type II (OPD2). Also called: Otopalatodigital Syndrome Type 2 (FLNA-OPD2); FACIOPALATOOSSEOUS SYNDROME; OPD II SYNDROME; Otopalatodigital Syndrome, Type II. Identifiers: Orphanet 669, Orphanet 90652, MedGen C1844696, MONDO:0010571, OMIM 304120.

Allele frequency attached by ClinVar (database versions not stated): gnomAD 0.00001; gnomAD exomes 0.00001.
gnomAD v4.1: 8 of 1,209,517 alleles (0.00066%); highest among the groups gnomAD compares: Non-Finnish European, 0.00078%; no homozygotes.

Submission:

Labcorp Genetics (formerly Invitae), Labcorp
Classification: Uncertain significance for Oto-palato-digital syndrome, type II; Heterotopia, periventricular, X-linked dominant; Frontometaphyseal dysplasia; Melnick-Needles syndrome. Last evaluated: 2021-02-23. Review status: criteria provided, single submitter. Criteria: Invitae Variant Classification Sherloc (09022015). Collection method: clinical testing. Allele origin: germline.
Comment: Algorithms developed to predict the effect of missense changes on protein structure and function do not agree on the potential impact of this missense change (SIFT: "Tolerated"; PolyPhen-2: "Possibly Damaging"; Align-GVGD: "Class C0"). In summary, the available evidence is currently insufficient to determine the role of this variant in disease. Therefore, it has been classified as a Variant of Uncertain Significance. This sequence change replaces glutamine with histidine at codon 1287 of the FLNA protein (p.Gln1287His). The glutamine residue is moderately conserved and there is a small physicochemical difference between glutamine and histidine. This variant is not present in population databases (ExAC no frequency). This variant has not been reported in the literature in individuals with FLNA-related disease.